The following is an entry in ClinVar:

NM_001395656.1(ROBO2):c.3695T>C (p.Leu1232Ser)

Gene: ROBO2 (roundabout guidance receptor 2; plus strand). Cytogenetic location: 3p12.3.
Variant type: single nucleotide variant.
Coding change: c.3695T>C on transcript NM_001395656.1 (MANE Select); coding-DNA position 3695, T replaced by C.
Protein change: p.Leu1232Ser; replaces leucine 1232 with serine.
Molecular consequence: missense variant.
Genome position (GRCh38, 1-based): chr3:77,622,355, T>C. VCF-style: chr3-77622355-T-C. GRCh37 (hg19) VCF-style: chr3-77671506-T-C.
Other names: c.3731T>C, p.Leu1244Ser (NM_001128929.3); c.3695T>C, p.Leu1232Ser (NM_001290039.2, NM_001290040.2); c.3881T>C, p.Leu1294Ser (NM_001378194.1); c.3869T>C, p.Leu1290Ser (NM_001378195.1, NM_001378196.1, NM_001378191.1); c.3809T>C, p.Leu1270Ser (NM_001378197.1); c.3764T>C, p.Leu1255Ser (NM_001378198.1, NM_001378199.1, NM_001378192.1); c.1904T>C, p.Leu635Ser (NM_001290065.2); c.3743T>C, p.Leu1248Ser (NM_001378200.1, NM_001378201.1, NM_001378203.1 and 1 more transcripts); and 5 more; short protein forms L1244S, L1248S, L1293S, L635S, L1232S, L1251S, L1270S, L1255S.
Identifiers: ClinVar variation 1943294 (VCV001943294.5), dbSNP rs2471854224, ClinGen allele CA353532383.

ClinVar aggregate classification (germline): Uncertain significance (1 of 4 stars; one submission).

Submission:

Labcorp Genetics (formerly Invitae), Labcorp
Classification: Uncertain significance. Last evaluated: 2022-10-09. Review status: criteria provided, single submitter. Criteria: Invitae Variant Classification Sherloc (09022015). Collection method: clinical testing. Allele origin: germline.
Comment: In summary, the available evidence is currently insufficient to determine the role of this variant in disease. Therefore, it has been classified as a Variant of Uncertain Significance. Advanced modeling of protein sequence and biophysical properties (such as structural, functional, and spatial information, amino acid conservation, physicochemical variation, residue mobility, and thermodynamic stability) performed at Invitae indicates that this missense variant is not expected to disrupt ROBO2 protein function. This variant has not been reported in the literature in individuals affected with ROBO2-related conditions. This variant is not present in population databases (gnomAD no frequency). This sequence change replaces leucine, which is neutral and non-polar, with serine, which is neutral and polar, at codon 1228 of the ROBO2 protein (p.Leu1228Ser).